The following is an entry in ClinVar:

NM_001184785.2(PARD3):c.1354A>G (p.Asn452Asp)

Gene: PARD3 (par-3 family cell polarity regulator; minus strand). Cytogenetic location: 10p11.21.
Variant type: single nucleotide variant.
Coding change: c.1354A>G on transcript NM_001184785.2 (MANE Select); coding-DNA position 1354, A replaced by G.
Protein change: p.Asn452Asp; replaces asparagine 452 with aspartic acid.
Molecular consequence: missense variant.
Genome position (GRCh38, 1-based): chr10:34,382,585, T>C on the plus strand (A>G on the coding strand, the complement: PARD3 is on the minus strand). VCF-style: chr10-34382585-T-C. GRCh37 (hg19) VCF-style: chr10-34671513-T-C.
Other names: c.1354A>G, p.Asn452Asp (NM_001184786.2, NM_001184787.2, NM_001184788.2 and 5 more transcripts); c.1222A>G, p.Asn408Asp (NM_001184790.2, NM_001184791.2); short protein forms N408D, N452D.
Identifiers: ClinVar variation 3042497 (VCV003042497.2), dbSNP rs139550735, ClinGen allele CA5467946.

ClinVar aggregate classification (germline): Likely benign (0 of 4 stars; one submission).

Conditions:
PARD3-related disorder. Also called: PARD3-related condition.

Allele frequency attached by ClinVar (database versions not stated): 1000 Genomes Project 30x 0.00016; 1000 Genomes Project 0.00020; gnomAD 0.00121; ExAC 0.00128; ESP Exome Variant Server 0.00131; TOPMed 0.00144; gnomAD exomes 0.00197.
gnomAD v4.1: 3,032 of 1,613,822 alleles (0.19%); highest among the groups gnomAD compares: Non-Finnish European, 0.24%; 5 homozygotes.

Submission:

PreventionGenetics, part of Exact Sciences
Classification: Likely benign for PARD3-related condition. Last evaluated: 2023-02-20. Review status: no assertion criteria provided. Collection method: clinical testing. Allele origin: germline.
Comment: This variant is classified as likely benign based on ACMG/AMP sequence variant interpretation guidelines (Richards et al. 2015 PMID: 25741868, with internal and published modifications).